The following is an entry in ClinVar:

ClinVar aggregate classification (germline): Uncertain significance (1 of 4 stars; one submission).

Conditions:
Microcephaly 8, primary, autosomal recessive. Identifiers: Orphanet 2512, MedGen C3553414, MONDO:0013849, OMIM 614673.

Submission:

Baylor Genetics
Classification: Uncertain significance for Microcephaly 8, primary, autosomal recessive. Last evaluated: 2018-06-13. Review status: criteria provided, single submitter. Criteria: ACMG Guidelines, 2015. Collection method: clinical testing. Allele origin: paternal. Affected: yes.
Comment: This variant was determined to be of uncertain significance according to ACMG Guidelines, 2015 [PMID:25741868].

NM_025009.5(CEP135):c.231A>C (p.Arg77Ser)

Gene: CEP135 (centrosomal protein 135; plus strand). Cytogenetic location: 4q12.
Variant type: single nucleotide variant.
Coding change: c.231A>C on transcript NM_025009.5 (MANE Select); coding-DNA position 231, A replaced by C.
Protein change: p.Arg77Ser; replaces arginine 77 with serine.
Molecular consequence: missense variant.
Genome position (GRCh38, 1-based): chr4:55,953,202, A>C. VCF-style: chr4-55953202-A-C. GRCh37 (hg19) VCF-style: chr4-56819368-A-C.
Other names: short protein forms R77S.
Identifiers: ClinVar variation 1032208 (VCV001032208.1), dbSNP rs1728412496, ClinGen allele CA356965255.
Genomic context (GRCh38, chr4:55,953,202, plus strand): 5'-TGAAAAAGAAAGTGCCAATTTTGATTTTGTTTTGGAACCCTATAAACTTGAAAATGCAAG[A>C]TTGAGTAGAGAAAATAATGAATTATACCTAGAGTTAATGAAACTGAGAGAACATTCAGAC-3'
Protein context (NP_079285.2, residues 67-87): VLEPYKLENA[Arg77Ser]LSRENNELYL